The following is an entry in ClinVar:

ClinVar aggregate classification (germline): Uncertain significance (1 of 4 stars; one submission).

Submission:

CeGaT Center for Human Genetics Tuebingen
Classification: Uncertain significance. Last evaluated: 2026-08-01. Review status: criteria provided, single submitter. Criteria: CeGaT Center For Human Genetics Tuebingen Variant Classification Criteria Version 2. Collection method: clinical testing. Allele origin: germline. Affected: yes. Observed: 1 variant allele.
Comment: AGO1: PM2, PM4

NM_012199.5(AGO1):c.2151_2156del (p.Lys718_Asn719del)

Gene: AGO1 (argonaute RISC component 1; plus strand). Cytogenetic location: 1p34.3.
Variant type: Deletion.
Coding change: c.2151_2156del on transcript NM_012199.5 (MANE Select); coding-DNA positions 2151 to 2156, 6 bases deleted (CAAGAA; older notation c.2151_2156delCAAGAA).
Protein change: p.Lys718_Asn719del.
Genome position (GRCh38, 1-based): chr1:35,917,715-35,917,720, CAAGAA deleted; deleting any 6 consecutive bases within chr1:35,917,714-35,917,720 gives the same sequence; the c. name uses the placement nearest the transcript's 3' end. VCF-style (leftmost placement, unchanged base first): chr1-35917713-GACAAGA-G. GRCh37 (hg19) VCF-style: chr1-36383314-GACAAGA-G.
Other names: c.2151_2156del, p.Lys718_Asn719del (NM_001317122.2); c.1926_1931del, p.Lys643_Asn644del (NM_001317123.2).
Identifiers: ClinVar variation 5040433 (VCV005040433.1).